The following is an entry in ClinVar:

NM_001853.4(COL9A3):c.941T>A (p.Leu314His)

Gene: COL9A3 (collagen type IX alpha 3 chain; plus strand). Cytogenetic location: 20q13.33.
Variant type: single nucleotide variant.
Coding change: c.941T>A on transcript NM_001853.4 (MANE Select); coding-DNA position 941, T replaced by A.
Protein change: p.Leu314His; replaces leucine 314 with histidine.
Molecular consequence: missense variant.
Genome position (GRCh38, 1-based): chr20:62,828,804, T>A. VCF-style: chr20-62828804-T-A. GRCh37 (hg19) VCF-style: chr20-61460156-T-A.
Other names: short protein forms L314H.
Identifiers: ClinVar variation 1447114 (VCV001447114.6), dbSNP rs2063573463, ClinGen allele CA409593094.

ClinVar aggregate classification (germline): Uncertain significance (1 of 4 stars; one submission).

Submission:

Labcorp Genetics (formerly Invitae), Labcorp
Classification: Uncertain significance. Last evaluated: 2021-11-10. Review status: criteria provided, single submitter. Criteria: Invitae Variant Classification Sherloc (09022015). Collection method: clinical testing. Allele origin: germline.
Comment: In summary, the available evidence is currently insufficient to determine the role of this variant in disease. Therefore, it has been classified as a Variant of Uncertain Significance. Advanced modeling of protein sequence and biophysical properties (such as structural, functional, and spatial information, amino acid conservation, physicochemical variation, residue mobility, and thermodynamic stability) performed at Invitae indicates that this missense variant is not expected to disrupt COL9A3 protein function. This variant has not been reported in the literature in individuals affected with COL9A3-related conditions. This variant is not present in population databases (gnomAD no frequency). This sequence change replaces leucine, which is neutral and non-polar, with histidine, which is basic and polar, at codon 314 of the COL9A3 protein (p.Leu314His).